The following is an entry in ClinVar:

NM_001103.4(ACTN2):c.2392A>G (p.Met798Val)

Gene: ACTN2 (actinin alpha 2; plus strand). Cytogenetic location: 1q43.
Variant type: single nucleotide variant.
Coding change: c.2392A>G on transcript NM_001103.4 (MANE Select); coding-DNA position 2392, A replaced by G.
Protein change: p.Met798Val; replaces methionine 798 with valine.
Molecular consequence: missense variant.
Genome position (GRCh38, 1-based): chr1:236,761,039, A>G. VCF-style: chr1-236761039-A-G. GRCh37 (hg19) VCF-style: chr1-236924339-A-G.
Other names: c.2392A>G, p.Met798Val (NM_001278343.2); c.1768A>G, p.Met590Val (NM_001278344.2); c.1642A>G, p.Met548Val (NM_001412150.1); short protein forms M590V, M798V, M548V.
Identifiers: ClinVar variation 2177806 (VCV002177806.3), dbSNP rs1339973900, ClinGen allele CA345390684.

ClinVar aggregate classification (germline): Uncertain significance (1 of 4 stars; one submission).

Conditions:
Primary familial hypertrophic cardiomyopathy (HCM). Identifiers: Orphanet 99739, MedGen C0949658, MeSH D024741, MONDO:0024573. Inheritance: Various modes of inheritance.
Dilated cardiomyopathy 1AA (CMD1AA). Also called: Cardiomyopathy, dilated, 1AA, with or without LVNC; CARDIOMYOPATHY, DILATED, 1AA, WITH OR WITHOUT LEFT VENTRICULAR NONCOMPACTION; CARDIOMYOPATHY, FAMILIAL HYPERTROPHIC, 23, WITH OR WITHOUT LEFT VENTRICULAR NONCOMPACTION. Identifiers: Orphanet 154, MedGen C2677338, MONDO:0012808, OMIM 612158.

Allele frequency attached by ClinVar (database versions not stated): gnomAD exomes 0.00001; TOPMed 0.00002.

Submission:

Labcorp Genetics (formerly Invitae), Labcorp
Classification: Uncertain significance for Primary familial hypertrophic cardiomyopathy; Dilated cardiomyopathy 1AA. Last evaluated: 2025-09-08. Review status: criteria provided, single submitter. Criteria: Invitae Variant Classification Sherloc (09022015). Collection method: clinical testing. Allele origin: germline.
Comment: This sequence change replaces methionine, which is neutral and non-polar, with valine, which is neutral and non-polar, at codon 798 of the ACTN2 protein (p.Met798Val). This variant is not present in population databases (gnomAD no frequency). This variant has not been reported in the literature in individuals affected with ACTN2-related conditions. ClinVar contains an entry for this variant (Variation ID: 2177806). Invitae Evidence Modeling of protein sequence and biophysical properties (such as structural, functional, and spatial information, amino acid conservation, physicochemical variation, residue mobility, and thermodynamic stability) indicates that this missense variant is expected to disrupt ACTN2 protein function with a positive predictive value of 95%. In summary, the available evidence is currently insufficient to determine the role of this variant in disease. Therefore, it has been classified as a Variant of Uncertain Significance.